The following is an entry in ClinVar:

ClinVar aggregate classification (germline): Uncertain significance (1 of 4 stars; one submission).

Conditions:
Intellectual developmental disorder, X-linked 103. Also called: Intellectual disability, X-linked 103. Identifiers: MedGen C4310818, MONDO:0010508, OMIM 300982.

Submission:

Juno Genomics, Hangzhou Juno Genomics, Inc
Classification: Uncertain significance for Intellectual developmental disorder, X-linked 103. Review status: criteria provided, single submitter. Criteria: ACMG Guidelines, 2015. Collection method: clinical testing. Allele origin: germline.
Comment: Absent from controls (or at extremely low frequency if recessive) in Genome Aggregation Database.

NM_030624.3(KLHL15):c.1468C>G (p.Leu490Val)

Gene: KLHL15 (kelch like family member 15; minus strand). Cytogenetic location: Xp22.11.
Variant type: single nucleotide variant.
Coding change: c.1468C>G on transcript NM_030624.3 (MANE Select); coding-DNA position 1468, C replaced by G.
Protein change: p.Leu490Val; replaces leucine 490 with valine.
Molecular consequence: missense variant.
Genome position (GRCh38, 1-based): chrX:23,988,268, G>C on the plus strand (C>G on the coding strand, the complement: KLHL15 is on the minus strand). VCF-style: chrX-23988268-G-C. GRCh37 (hg19) VCF-style: chrX-24006385-G-C.
Other names: short protein forms L490V.
Identifiers: ClinVar variation 5018979 (VCV005018979.2).